The following is an entry in ClinVar:

NM_000077.5(CDKN2A):c.11C>G (p.Ala4Gly)

Genes: CDKN2A (cyclin dependent kinase inhibitor 2A; minus strand), LOC130001603 (ATAC-STARR-seq lymphoblastoid silent region 19811; plus strand). Cytogenetic location: 9p21.3.
Variant type: single nucleotide variant.
Coding change: c.11C>G on transcript NM_000077.5; coding-DNA position 11, C replaced by G.
Protein change: p.Ala4Gly; replaces alanine 4 with glycine.
Molecular consequence: missense variant (on NM_000077.6). On other transcripts: intron variant (2).
Genome position (GRCh38, 1-based): chr9:21,974,817, G>C on the plus strand (C>G on the coding strand, the complement: CDKN2A is on the minus strand). VCF-style: chr9-21974817-G-C. GRCh37 (hg19) VCF-style: chr9-21974816-G-C.
Other names: c.11C>G, p.Ala4Gly (NM_000077.6, NM_001195132.2, NM_058197.5); c.-3-3609C>G (NM_001363763.2); c.194-3609C>G (NM_058195.4); short protein forms A4G.
Identifiers: ClinVar variation 628437 (VCV000628437.16), dbSNP rs1277299943, ClinGen allele CA373086724.

ClinVar aggregate classification (germline): Conflicting classifications of pathogenicity. Review status: criteria provided, conflicting classifications (1 of 4 stars). 3 submissions from 3 submitters: Uncertain significance (2); Likely benign (1). Last evaluated 2024-10-09.

Conditions:
Hereditary cancer-predisposing syndrome. Also called: Tumor predisposition; Neoplastic Syndromes, Hereditary; Hereditary Cancer Syndrome; Hereditary neoplastic syndrome. Identifiers: Orphanet 140162, MedGen C0027672, MeSH D009386, MONDO:0015356.
Familial melanoma. Also called: Hereditary melanoma; Hereditary cutaneous melanoma. Identifiers: Orphanet 618, MedGen C1512419, MONDO:0018961.

Allele frequency attached by ClinVar (database versions not stated): gnomAD exomes 0.00001.
gnomAD v4.1: 5 of 1,599,724 alleles (0.00031%); highest among the groups gnomAD compares: Non-Finnish European, 0.00042%; no homozygotes.

Submissions (3):

Ambry Genetics
Classification: Likely benign for Hereditary cancer-predisposing syndrome. Last evaluated: 2024-10-09. Review status: criteria provided, single submitter. Criteria: Ambry Variant Classification Scheme 2023. Collection method: clinical testing. Allele origin: germline.

Labcorp Genetics (formerly Invitae), Labcorp
Classification: Uncertain significance for Familial melanoma. Last evaluated: 2024-06-08. Review status: criteria provided, single submitter. Criteria: Invitae Variant Classification Sherloc (09022015). Collection method: clinical testing. Allele origin: germline.
Comment: The CDKN2A gene encodes two different proteins, p16INK4a and p14ARF, which are translated from alternative transcripts with different open reading frames. Both transcripts have been analyzed. We report either the variant with the higher classification or default to the CDKN2A (p16INK4a) variant. This report therefore includes the details for the CDKN2A (p16INK4a) variant. This sequence change replaces alanine, which is neutral and non-polar, with glycine, which is neutral and non-polar, at codon 4 of the CDKN2A (p16INK4a) protein (p.Ala4Gly). This variant is present in population databases (no rsID available, gnomAD 0.004%). This variant has not been reported in the literature in individuals affected with CDKN2A (p16INK4a)-related conditions. ClinVar contains an entry for this variant (Variation ID: 628437). An algorithm developed to predict the effect of missense changes on protein structure and function (PolyPhen-2) suggests that this variant is likely to be tolerated. In summary, the available evidence is currently insufficient to determine the role of this variant in disease. Therefore, it has been classified as a Variant of Uncertain Significance.

Color Diagnostics, LLC DBA Color Health
Classification: Uncertain significance for Hereditary cancer-predisposing syndrome. Last evaluated: 2019-08-05. Review status: criteria provided, single submitter. Criteria: ACMG Guidelines, 2015. Collection method: clinical testing. Allele origin: germline.
Comment: This missense variant replaces alanine with glycine at codon 4 of the CDKN2A (p16INK4A) protein. Computational prediction tools and conservation analyses suggest that this variant may not impact protein structure and function. Splice site prediction tools suggest that this variant may not impact RNA splicing. To our knowledge, functional studies have not been performed for this variant. This variant has not been reported in individuals affected with hereditary cancer in the literature. This variant has been identified in 3/224328 chromosomes in the general population by the Genome Aggregation Database (gnomAD). The available evidence is insufficient to determine the role of this variant in disease conclusively. Therefore, this variant is classified as a Variant of Uncertain Significance.